The following is an entry in ClinVar:

ClinVar aggregate classification (germline): Likely benign. Review status: criteria provided, multiple submitters, no conflicts (2 of 4 stars). 2 submissions from 2 submitters: Likely benign (2). Last evaluated 2025-03-02.

Conditions:
NCOA1-related disorder. Also called: NCOA1-related condition.

Allele frequency attached by ClinVar (database versions not stated): ExAC 0.00002; gnomAD exomes 0.00002; gnomAD 0.00003; TOPMed 0.00003.
gnomAD v4.1: 29 of 1,614,004 alleles (0.0018%); highest among the groups gnomAD compares: Non-Finnish European, 0.0023%; no homozygotes.

Submissions (2):

PreventionGenetics, part of Exact Sciences
Classification: Likely benign for NCOA1-related condition. Last evaluated: 2025-03-02. Review status: criteria provided, single submitter. Criteria: ACMG Guidelines, 2015. Collection method: clinical testing. Allele origin: germline.
Comment: This variant is classified as likely benign based on ACMG/AMP sequence variant interpretation guidelines (Richards et al. 2015 PMID: 25741868, with internal and published modifications).

CeGaT Center for Human Genetics Tuebingen
Classification: Likely benign. Last evaluated: 2023-02-01. Review status: criteria provided, single submitter. Criteria: CeGaT Center For Human Genetics Tuebingen Variant Classification Criteria Version 2. Collection method: clinical testing. Allele origin: germline. Affected: yes. Observed: 1 variant allele.
Comment: NCOA1: BP4, BP7

NM_003743.5(NCOA1):c.1434T>C (p.Gly478=)

Gene: NCOA1 (nuclear receptor coactivator 1; plus strand). Cytogenetic location: 2p23.3.
Variant type: single nucleotide variant.
Coding change: c.1434T>C on transcript NM_003743.5 (MANE Select); coding-DNA position 1434, T replaced by C.
Protein change: p.Gly478=; no amino-acid change (glycine 478 retained).
Molecular consequence: synonymous variant.
Genome position (GRCh38, 1-based): chr2:24,706,904, T>C. VCF-style: chr2-24706904-T-C. GRCh37 (hg19) VCF-style: chr2-24929773-T-C.
Other names: c.1434T>C, p.Gly478= (NM_001362950.1, NM_001362952.1, NM_001362954.1 and 3 more transcripts); c.1434T>C (NM_003743.4).
Identifiers: ClinVar variation 2650720 (VCV002650720.25), dbSNP rs770406821, ClinGen allele CA1552256.